The following is an entry in ClinVar:

NM_206933.4(USH2A):c.12395T>C (p.Leu4132Pro)

Gene: USH2A (usherin; minus strand). Cytogenetic location: 1q41.
Variant type: single nucleotide variant.
Coding change: c.12395T>C on transcript NM_206933.4 (MANE Select); coding-DNA position 12395, T replaced by C.
Protein change: p.Leu4132Pro; replaces leucine 4132 with proline.
Molecular consequence: missense variant.
Genome position (GRCh38, 1-based): chr1:215,675,516, A>G on the plus strand (T>C on the coding strand, the complement: USH2A is on the minus strand). VCF-style: chr1-215675516-A-G. GRCh37 (hg19) VCF-style: chr1-215848858-A-G.
Other names: short protein forms L4132P.
Identifiers: ClinVar variation 1047736 (VCV001047736.7), dbSNP rs767712486, ClinGen allele CA1393473.

ClinVar aggregate classification (germline): Conflicting classifications of pathogenicity. Review status: criteria provided, conflicting classifications (1 of 4 stars). 2 submissions from 2 submitters: Likely pathogenic (1); Uncertain significance (1). Last evaluated 2023-03-23.

Allele frequency attached by ClinVar (database versions not stated): TOPMed 0.00001; gnomAD 0.00003.
gnomAD v4.1: 5 of 1,613,926 alleles (0.00031%); highest among the groups gnomAD compares: African/African-American, 0.0053%; no homozygotes.

Submissions (2):

Labcorp Genetics (formerly Invitae), Labcorp
Classification: Likely pathogenic. Last evaluated: 2023-03-23. Review status: criteria provided, single submitter. Criteria: Invitae Variant Classification Sherloc (09022015). Collection method: clinical testing. Allele origin: germline.
Comment: This sequence change replaces leucine, which is neutral and non-polar, with proline, which is neutral and non-polar, at codon 4132 of the USH2A protein (p.Leu4132Pro). This variant is present in population databases (rs767712486, gnomAD 0.007%). This missense change has been observed in individual(s) with clinical features of USH2A-related conditions (Invitae). ClinVar contains an entry for this variant (Variation ID: 1047736). Advanced modeling of protein sequence and biophysical properties (such as structural, functional, and spatial information, amino acid conservation, physicochemical variation, residue mobility, and thermodynamic stability) performed at Invitae indicates that this missense variant is expected to disrupt USH2A protein function. In summary, the currently available evidence indicates that the variant is pathogenic, but additional data are needed to prove that conclusively. Therefore, this variant has been classified as Likely Pathogenic.

Blueprint Genetics
Classification: Uncertain significance. Last evaluated: 2021-03-08. Review status: criteria provided, single submitter. Criteria: ACMG Guidelines, 2015. Collection method: clinical testing. Allele origin: germline.